The following is an entry in ClinVar:

ClinVar aggregate classification (germline): Likely benign (1 of 4 stars; one submission).

gnomAD v4.1: 112 of 1,171,799 alleles (0.0096%); highest among the groups gnomAD compares: Admixed American, 0.27%; 1 homozygote.

Submission:

CeGaT Center for Human Genetics Tuebingen
Classification: Likely benign. Last evaluated: 2026-08-01. Review status: criteria provided, single submitter. Criteria: CeGaT Center For Human Genetics Tuebingen Variant Classification Criteria Version 2. Collection method: clinical testing. Allele origin: germline. Affected: yes. Observed: 1 variant allele.
Comment: FAM50A: BS2

NM_004699.4(FAM50A):c.427G>A (p.Glu143Lys)

Gene: FAM50A (family with sequence similarity 50 member A; plus strand). Cytogenetic location: Xq28.
Variant type: single nucleotide variant.
Coding change: c.427G>A on transcript NM_004699.4 (MANE Select); coding-DNA position 427, G replaced by A.
Protein change: p.Glu143Lys; replaces glutamic acid 143 with lysine.
Molecular consequence: missense variant.
Genome position (GRCh38, 1-based): chrX:154,446,545, G>A. VCF-style: chrX-154446545-G-A. GRCh37 (hg19) VCF-style: chrX-153674893-G-A.
Other names: short protein forms E143K.
Identifiers: ClinVar variation 5039855 (VCV005039855.1).